The following is an entry in ClinVar:

NM_002609.4(PDGFRB):c.2667C>T (p.Phe889=)

Gene: PDGFRB (platelet derived growth factor receptor beta; minus strand). Cytogenetic location: 5q32.
Variant type: single nucleotide variant.
Coding change: c.2667C>T on transcript NM_002609.4 (MANE Select); coding-DNA position 2667, C replaced by T.
Protein change: p.Phe889=; no amino-acid change (phenylalanine 889 retained).
Molecular consequence: synonymous variant.
Genome position (GRCh38, 1-based): chr5:150,120,043, G>A on the plus strand (C>T on the coding strand, the complement: PDGFRB is on the minus strand). VCF-style: chr5-150120043-G-A. GRCh37 (hg19) VCF-style: chr5-149499606-G-A.
Other names: c.2475C>T, p.Phe825= (NM_001355016.2); c.2184C>T, p.Phe728= (NM_001355017.2); c.2667C>T (NM_002609.3).
Identifiers: ClinVar variation 2655905 (VCV002655905.28), dbSNP rs527843077, ClinGen allele CA129099451.

ClinVar aggregate classification (germline): Likely benign. Review status: criteria provided, multiple submitters, no conflicts (2 of 4 stars). 3 submissions from 3 submitters: Likely benign (2). 1 of the submissions does not count toward it. Last evaluated 2023-09-10.

Conditions:
Acroosteolysis-keloid-like lesions-premature aging syndrome. Also called: Premature aging syndrome, Penttinen type; Prematurely aged appearance, delayed bone maturation, acro-osteolysis, and brachydactyly; Progeroid syndrome, Penttinen type. Identifiers: Orphanet 363665, MedGen C1866182, MONDO:0011150, OMIM 601812.
Skeletal overgrowth-craniofacial dysmorphism-hyperelastic skin-white matter lesions syndrome. Also called: SKELETAL OVERGROWTH WITH FACIAL DYSMORPHISM, HYPERELASTIC SKIN, WHITE MATTER LESIONS, AND NEUROLOGIC DETERIORATION; Kosaki overgrowth syndrome. Identifiers: Orphanet 477831, MedGen C4225270, MONDO:0014704, OMIM 616592.
Infantile myofibromatosis (IMF). Also called: Congenital generalized fibromatosis. Identifiers: Orphanet 2591, MedGen C0432284, MONDO:0016824.
Basal ganglia calcification, idiopathic, 4 (PFBC4). Also called: Familial Idiopathic Basal Ganglia Calcification 4; PRIMARY FAMILIAL BRAIN CALCIFICATION 4, AUTOSOMAL DOMINANT. Identifiers: Orphanet 1980, MedGen C3554321, MONDO:0014004, OMIM 615007.
PDGFRB-related disorder. Also called: PDGFRB-related condition.

Allele frequency attached by ClinVar (database versions not stated): TOPMed 0.00002; gnomAD 0.00003; 1000 Genomes Project 30x 0.00016; 1000 Genomes Project 0.00020.
gnomAD v4.1: 49 of 1,598,834 alleles (0.0031%); highest among the groups gnomAD compares: East Asian, 0.0045%; no homozygotes.

Submissions (3):

Labcorp Genetics (formerly Invitae), Labcorp
Classification: Likely benign for Basal ganglia calcification, idiopathic, 4; Skeletal overgrowth-craniofacial dysmorphism-hyperelastic skin-white matter lesions syndrome; Infantile myofibromatosis; Acroosteolysis-keloid-like lesions-premature aging syndrome. Last evaluated: 2023-09-10. Review status: criteria provided, single submitter. Criteria: Invitae Variant Classification Sherloc (09022015). Collection method: clinical testing. Allele origin: germline.

CeGaT Center for Human Genetics Tuebingen
Classification: Likely benign. Last evaluated: 2022-05-01. Review status: criteria provided, single submitter. Criteria: CeGaT Center For Human Genetics Tuebingen Variant Classification Criteria Version 2. Collection method: clinical testing. Allele origin: germline. Affected: yes. Observed: 1 variant allele.
Comment: PDGFRB: BP4, BP7

PreventionGenetics, part of Exact Sciences
Classification: Likely benign for PDGFRB-related condition. Last evaluated: 2020-04-29. Review status: no assertion criteria provided. Collection method: clinical testing. Allele origin: germline. Not counted in ClinVar's aggregate classification.
Comment: This variant is classified as likely benign based on ACMG/AMP sequence variant interpretation guidelines (Richards et al. 2015 PMID: 25741868, with internal and published modifications).